The following is an entry in ClinVar:

NM_015272.5(RPGRIP1L):c.1699+5A>C

Gene: RPGRIP1L (RPGRIP1 like; minus strand). Cytogenetic location: 16q12.2.
Variant type: single nucleotide variant.
Coding change: c.1699+5A>C on transcript NM_015272.5 (MANE Select); 5 bases into the intron after coding-DNA position 1699, A replaced by C.
Molecular consequence: intron variant.
Genome position (GRCh38, 1-based): chr16:53,656,467, T>G on the plus strand (A>C on the coding strand, the complement: RPGRIP1L is on the minus strand). VCF-style: chr16-53656467-T-G. GRCh37 (hg19) VCF-style: chr16-53690379-T-G.
Other names: c.1699+5A>C (NM_001127897.4, NM_001330538.2, NM_001308334.3).
Identifiers: ClinVar variation 1421979 (VCV001421979.3), dbSNP rs865956479, ClinGen allele CA281346418.
Genomic context (GRCh38, chr16:53,656,467, plus strand): 5'-ATTATCAACTGTTATAAAATCCATTCCTCTAGTTACTGTGGACCAAAAAATCGTATATGT[T>G]GTACCTTCTAGTTTATGGATACGTGCAGCCCTGATATCAAGAAGATGAACATACTGTTCC-3'

ClinVar aggregate classification (germline): Uncertain significance (1 of 4 stars; one submission).

Conditions:
Joubert syndrome. Also called: CEREBELLOPARENCHYMAL DISORDER IV; JOUBERT-BOLTSHAUSER SYNDROME; Familial aplasia of the vermis. Identifiers: Orphanet 475, MedGen C5979921, MONDO:0018772.
Meckel-Gruber syndrome. Also called: DYSENCEPHALIA SPLANCHNOCYSTICA; GRUBER SYNDROME; Dysencephalia splachnocystica. Identifiers: Orphanet 564, MedGen C0265215, MONDO:0018921.

Allele frequency attached by ClinVar (database versions not stated): TOPMed 0.00001.

Submission:

Labcorp Genetics (formerly Invitae), Labcorp
Classification: Uncertain significance for Joubert syndrome; Meckel-Gruber syndrome. Last evaluated: 2022-03-02. Review status: criteria provided, single submitter. Criteria: Invitae Variant Classification Sherloc (09022015). Collection method: clinical testing. Allele origin: germline.
Comment: This sequence change falls in intron 14 of the RPGRIP1L gene. It does not directly change the encoded amino acid sequence of the RPGRIP1L protein. It affects a nucleotide within the consensus splice site. This variant is present in population databases (no rsID available, gnomAD 0.01%). This variant has not been reported in the literature in individuals affected with RPGRIP1L-related conditions. Variants that disrupt the consensus splice site are a relatively common cause of aberrant splicing (PMID: 17576681, 9536098). Algorithms developed to predict the effect of sequence changes on RNA splicing suggest that this variant is not likely to affect RNA splicing. In summary, the available evidence is currently insufficient to determine the role of this variant in disease. Therefore, it has been classified as a Variant of Uncertain Significance.

Literature cited by the submitters: PubMed 17576681; PubMed 9536098.